The following is an entry in ClinVar:

NM_003072.5(SMARCA4):c.1507G>A (p.Ala503Thr)

Gene: SMARCA4 (SWI/SNF related BAF chromatin remodeling complex subunit ATPase 4; plus strand). Cytogenetic location: 19p13.2.
Variant type: single nucleotide variant.
Coding change: c.1507G>A on transcript NM_003072.5 (MANE Select); coding-DNA position 1507, G replaced by A.
Protein change: p.Ala503Thr; replaces alanine 503 with threonine.
Molecular consequence: missense variant. On other transcripts: non-coding transcript variant (1).
Genome position (GRCh38, 1-based): chr19:10,994,915, G>A. VCF-style: chr19-10994915-G-A. GRCh37 (hg19) VCF-style: chr19-11105591-G-A.
Other names: c.1507G>A, p.Ala503Thr (NM_001128844.3, NM_001128845.2, NM_001128846.2 and 6 more transcripts); short protein forms A503T.
Identifiers: ClinVar variation 2711501 (VCV002711501.3), dbSNP rs2145940103, ClinGen allele CA404062140.
Genomic context (GRCh38, chr19:10,994,915, plus strand): 5'-GCCAAGGATTTCAAGGAATATCACAGATCCGTCACAGGCAAAATCCAGAAGCTGACCAAG[G>A]CAGTGGCCACGTACCATGCCAACACGGAGCGGGAGCAGAAGAAAGAGAACGAGCGGATCG-3'
Protein context (NP_003063.2, residues 493-513): VTGKIQKLTK[Ala503Thr]VATYHANTER

ClinVar aggregate classification (germline): Uncertain significance (1 of 4 stars; one submission).

Conditions:
Rhabdoid tumor predisposition syndrome 2 (RTPS2). Identifiers: Orphanet 231108, Orphanet 69077, MedGen C2750074, MONDO:0013224, OMIM 613325.

Allele frequency attached by ClinVar (database versions not stated): gnomAD exomes below 0.00001.

Submission:

Labcorp Genetics (formerly Invitae), Labcorp
Classification: Uncertain significance for Rhabdoid tumor predisposition syndrome 2. Last evaluated: 2024-01-25. Review status: criteria provided, single submitter. Criteria: Invitae Variant Classification Sherloc (09022015). Collection method: clinical testing. Allele origin: germline.
Comment: This sequence change replaces alanine, which is neutral and non-polar, with threonine, which is neutral and polar, at codon 503 of the SMARCA4 protein (p.Ala503Thr). This variant is not present in population databases (gnomAD no frequency). This variant has not been reported in the literature in individuals affected with SMARCA4-related conditions. Advanced modeling of protein sequence and biophysical properties (such as structural, functional, and spatial information, amino acid conservation, physicochemical variation, residue mobility, and thermodynamic stability) has been performed at Invitae for this missense variant, however the output from this modeling did not meet the statistical confidence thresholds required to predict the impact of this variant on SMARCA4 protein function. In summary, the available evidence is currently insufficient to determine the role of this variant in disease. Therefore, it has been classified as a Variant of Uncertain Significance.